The following is an entry in ClinVar:

ClinVar aggregate classification (germline): Uncertain significance (1 of 4 stars; one submission).

Conditions:
Arginase deficiency. Also called: ARGININEMIA; ARG1 DEFICIENCY; Arginase 1 Deficiency. Identifiers: Orphanet 90, MedGen C0268548, MONDO:0008814, OMIM 207800.

Allele frequency attached by ClinVar (database versions not stated): gnomAD exomes below 0.00001.
gnomAD v4.1: 1 of 1,614,188 alleles (0.000062%); highest among the groups gnomAD compares: Admixed American, 0.0017%; no homozygotes.

Submission:

Labcorp Genetics (formerly Invitae), Labcorp
Classification: Uncertain significance for Arginase deficiency. Last evaluated: 2022-06-27. Review status: criteria provided, single submitter. Criteria: Invitae Variant Classification Sherloc (09022015). Collection method: clinical testing. Allele origin: germline.
Comment: This sequence change replaces lysine, which is basic and polar, with threonine, which is neutral and polar, at codon 223 of the ARG1 protein (p.Lys223Thr). In summary, the available evidence is currently insufficient to determine the role of this variant in disease. Therefore, it has been classified as a Variant of Uncertain Significance. Algorithms developed to predict the effect of sequence changes on RNA splicing suggest that this variant may disrupt the consensus splice site. Algorithms developed to predict the effect of missense changes on protein structure and function (SIFT, PolyPhen-2, Align-GVGD) all suggest that this variant is likely to be tolerated. This variant has not been reported in the literature in individuals affected with ARG1-related conditions. This variant is present in population databases (no rsID available, gnomAD 0.003%).

NM_000045.4(ARG1):c.668A>C (p.Lys223Thr)

Genes: ARG1 (arginase 1; plus strand), MED23 (mediator complex subunit 23; minus strand). Cytogenetic location: 6q23.2.
Variant type: single nucleotide variant.
Coding change: c.668A>C on transcript NM_000045.4 (MANE Select); coding-DNA position 668, A replaced by C.
Protein change: p.Lys223Thr; replaces lysine 223 with threonine.
Molecular consequence: missense variant. On other transcripts: non-coding transcript variant (1), intron variant (2).
Genome position (GRCh38, 1-based): chr6:131,583,357, A>C. VCF-style: chr6-131583357-A-C. GRCh37 (hg19) VCF-style: chr6-131904497-A-C.
Other names: c.692A>C, p.Lys231Thr (NM_001244438.2); c.413A>C, p.Lys138Thr (NM_001369020.1); c.4077+4352T>G (NM_001270521.2); c.4095+4352T>G (NM_015979.4); short protein forms K231T, K138T, K223T.
Identifiers: ClinVar variation 1504074 (VCV001504074.46), dbSNP rs1360594253, ClinGen allele CA365652407.